The following is an entry in ClinVar:

NM_004429.5(EFNB1):c.1028A>G (p.Tyr343Cys)

Gene: EFNB1 (ephrin B1; plus strand). Cytogenetic location: Xq13.1.
Variant type: single nucleotide variant.
Coding change: c.1028A>G on transcript NM_004429.5 (MANE Select); coding-DNA position 1028, A replaced by G.
Protein change: p.Tyr343Cys; replaces tyrosine 343 with cysteine.
Molecular consequence: missense variant.
Genome position (GRCh38, 1-based): chrX:68,840,641, A>G. VCF-style: chrX-68840641-A-G. GRCh37 (hg19) VCF-style: chrX-68060484-A-G.
Other names: short protein forms Y343C.
Identifiers: ClinVar variation 4885532 (VCV004885532.2).
Genomic context (GRCh38, chrX:68,840,641, plus strand): 5'-ACTACGGGCACCCTGTCTACATCGTCCAAGAGATGCCGCCCCAGAGCCCGGCGAACATCT[A>G]CTACAAGGTCTGAGTGCCCGGCACGGCCTCAGGCCCCCGAGGGACAGTCGGCCTGGACCG-3'
Protein context (NP_004420.1, residues 333-346): EMPPQSPANI[Tyr343Cys]YKV

ClinVar aggregate classification (germline): Uncertain significance (1 of 4 stars; one submission).

Submission:

Dasa
Classification: Uncertain significance. Last evaluated: 2025-06-10. Review status: criteria provided, single submitter. Criteria: DASA Assertion Criteria. Collection method: clinical testing. Allele origin: germline.
Comment: NM_004429.5(EFNB1):c.1028A>G (p.Tyr343Cys) is a missense variant that results in the substitution of tyrosine with cysteine. This variant is absent from population databases. Computational prediction algorithms are consistent with a deleterious effect. The currently available literature and clinical evidence are not sufficient to establish a definitive association between this variant and the reported condition. Therefore, this variant is classified as a variant of uncertain significance.